The following is an entry in ClinVar:

ClinVar aggregate classification (germline): Uncertain significance (1 of 4 stars; one submission).

Conditions:
Hereditary cancer-predisposing syndrome. Also called: Neoplastic Syndromes, Hereditary; Tumor predisposition; Hereditary Cancer Syndrome; Hereditary neoplastic syndrome. Identifiers: Orphanet 140162, MedGen C0027672, MeSH D009386, MONDO:0015356.

Submission:

Ambry Genetics
Classification: Uncertain significance for Hereditary cancer-predisposing syndrome. Last evaluated: 2026-01-03. Review status: criteria provided, single submitter. Criteria: Ambry Variant Classification Scheme 2023. Collection method: clinical testing. Allele origin: germline.
Comment: The p.H567Q variant (also known as c.1701T>G), located in coding exon 5 of the PALB2 gene, results from a T to G substitution at nucleotide position 1701. The histidine at codon 567 is replaced by glutamine, an amino acid with highly similar properties. This amino acid position is conserved. In addition, this alteration is predicted to be tolerated by in silico analysis. Based on the available evidence, the clinical significance of this variant remains unclear.

NM_024675.4(PALB2):c.1701T>G (p.His567Gln)

Gene: PALB2 (partner and localizer of BRCA2; minus strand). Cytogenetic location: 16p12.2.
Variant type: single nucleotide variant.
Coding change: c.1701T>G on transcript NM_024675.4 (MANE Select); coding-DNA position 1701, T replaced by G.
Protein change: p.His567Gln; replaces histidine 567 with glutamine.
Molecular consequence: missense variant. On other transcripts: 5 prime UTR variant (2), intron variant (1).
Genome position (GRCh38, 1-based): chr16:23,630,453, A>C on the plus strand (T>G on the coding strand, the complement: PALB2 is on the minus strand). VCF-style: chr16-23630453-A-C. GRCh37 (hg19) VCF-style: chr16-23641774-A-C.
Other names: c.1641T>G, p.His547Gln (NM_001407296.1); c.1701T>G, p.His567Gln (NM_001407297.1, NM_001407298.1, NM_001407299.1 and 3 more transcripts); c.816T>G, p.His272Gln (NM_001407304.1, NM_001407305.1, NM_001407306.1 and 5 more transcripts); c.-88T>G (NM_001407312.1, NM_001407313.1); c.49-1178T>G (NM_001407314.1); short protein forms H567Q, H272Q, H547Q.
Identifiers: ClinVar variation 4843737 (VCV004843737.1).